The following is an entry in ClinVar:

ClinVar aggregate classification (germline): Pathogenic. Review status: criteria provided, multiple submitters, no conflicts (2 of 4 stars). 2 submissions from 2 submitters: Pathogenic (2). Last evaluated 2023-12-21.

Conditions:
Severe intellectual disability-progressive spastic diplegia syndrome (NEDSDV). Also called: NEURODEVELOPMENTAL DISORDER WITH SPASTIC DIPLEGIA AND VISUAL DEFECTS; CTNNB1 Neurodevelopmental Disorder. Identifiers: Orphanet 404473, MedGen C3554449, MONDO:0014035, OMIM 615075.

Submissions (2):

Victorian Clinical Genetics Services, Murdoch Childrens Research Institute
Classification: Pathogenic for Severe intellectual disability-progressive spastic diplegia syndrome. Last evaluated: 2023-12-21. Review status: criteria provided, single submitter. Criteria: ACMG Guidelines, 2015. Collection method: clinical testing. Allele origin: germline. Inheritance: Autosomal dominant inheritance. Affected: yes.
Comment: Based on the classification scheme VCGS_Germline_v1.3.4, this variant is classified as Pathogenic. Following criteria are met: 0102 - Loss of function is a known mechanism of disease in this gene and is associated with neurodevelopmental disorder with spastic diplegia and visual defects (MIM#615075), and exudative vitreoretinopathy 7 (MIM#617572). However, somatic variants with a gain of function mechanism have been reported to cause cancer (OMIM). (I) 0107 - This gene is associated with autosomal dominant disease. (I) 0201 - Variant is predicted to cause nonsense-mediated decay (NMD) and loss of protein (premature termination codon is located at least 54 nucleotides upstream of the final exon-exon junction). (SP) 0251 - This variant is heterozygous. (I) 0301 - Variant is absent from gnomAD (both v2 and v3). (SP) 0701 - Other NMD-predicted variants comparable to the one identified in this case have very strong previous evidence for pathogenicity (DECIPHER). (SP) 0803 - This variant has limited previous evidence of pathogenicity in an unrelated individual. This variant has been reported once as pathogenic (LOVD). (SP) 0905 - No published segregation evidence has been identified for this variant. (I) 1007 - No published functional evidence has been identified for this variant. (SP) Legend: (SP) - Supporting pathogenic, (I) - Information, (SB) - Supporting benign

Labcorp Genetics (formerly Invitae), Labcorp
Classification: Pathogenic. Last evaluated: 2022-12-12. Review status: criteria provided, single submitter. Criteria: Invitae Variant Classification Sherloc (09022015). Collection method: clinical testing. Allele origin: germline.
Comment: For these reasons, this variant has been classified as Pathogenic. This variant has not been reported in the literature in individuals affected with CTNNB1-related conditions. This variant is not present in population databases (gnomAD no frequency). This sequence change creates a premature translational stop signal (p.Arg661Glufs*18) in the CTNNB1 gene. It is expected to result in an absent or disrupted protein product. Loss-of-function variants in CTNNB1 are known to be pathogenic (PMID: 23033978, 24614104, 25326669, 26350204, 28575650).

Literature cited by the submitters: PubMed 23033978 (cited by Labcorp Genetics (formerly Invitae), Labcorp); PubMed 24614104 (cited by Labcorp Genetics (formerly Invitae), Labcorp); PubMed 25326669 (cited by Labcorp Genetics (formerly Invitae), Labcorp); PubMed 26350204 (cited by Labcorp Genetics (formerly Invitae), Labcorp); PubMed 28575650 (cited by Labcorp Genetics (formerly Invitae), Labcorp).

NM_001904.4(CTNNB1):c.1981del (p.Arg661fs)

Gene: CTNNB1 (catenin beta 1; plus strand). Cytogenetic location: 3p22.1.
Variant type: Deletion.
Coding change: c.1981del on transcript NM_001904.4 (MANE Select); coding-DNA position 1981, one base deleted (C; older notation c.1981delC).
Protein change: p.Arg661fs; shifts the reading frame from arginine 661.
Molecular consequence: frameshift variant.
Genome position (GRCh38, 1-based): chr3:41,236,614, C deleted; the last of 2 consecutive C bases (chr3:41,236,613-41,236,614); deleting either gives the same sequence. VCF-style (leftmost placement, unchanged base first): chr3-41236612-TC-T. GRCh37 (hg19) VCF-style: chr3-41278103-TC-T.
Other names: c.1981delC (NM_001904.3); c.1981del, p.Arg661fs (NM_001098209.2, NM_001098210.2); c.1960del, p.Arg654fs (NM_001330729.2); short protein forms R654fs, R661fs.
Identifiers: ClinVar variation 2817966 (VCV002817966.4), dbSNP rs2470849092, ClinGen allele CA2695196513.
Genomic context (GRCh38, chr3:41,236,612, plus strand): 5'-TTTTTCCTCAAGGGCCTTTTTCTCCTTGTCTCTTAGCGACATATGCAGCTGCTGTTTTGT[TC>T]CGAATGTCTGAGGACAAGCCACAAGATTACAAGAAACGGCTTTCAGTTGAGCTGACCAGC-3'